The following is an entry in ClinVar:

ClinVar aggregate classification (germline): Uncertain significance (1 of 4 stars; one submission).

Conditions:
Hereditary pancreatitis (PCTT). Also called: PRSS1-Related Hereditary Pancreatitis; Hereditary chronic pancreatitis. Identifiers: Orphanet 676, MedGen C0238339, MONDO:0008185, OMIM 167800.

Submission:

Ambry Genetics
Classification: Uncertain significance for Hereditary pancreatitis. Last evaluated: 2024-05-30. Review status: criteria provided, single submitter. Criteria: Ambry Variant Classification Scheme 2023. Collection method: clinical testing. Allele origin: germline.
Comment: The p.T147I variant (also known as c.440C>T), located in coding exon 3 of the PRSS1 gene, results from a C to T substitution at nucleotide position 440. The threonine at codon 147 is replaced by isoleucine, an amino acid with similar properties. This amino acid position is conserved. In addition, this alteration is predicted to be deleterious by in silico analysis. Based on the available evidence, the clinical significance of this variant remains unclear.

NM_002769.5(PRSS1):c.440C>T (p.Thr147Ile)

Genes: PRSS1 (serine protease 1; plus strand), TRB (T cell receptor beta locus; plus strand). Cytogenetic location: 7q34.
Variant type: single nucleotide variant.
Coding change: c.440C>T on transcript NM_002769.5 (MANE Select); coding-DNA position 440, C replaced by T.
Protein change: p.Thr147Ile; replaces threonine 147 with isoleucine.
Molecular consequence: missense variant. On other transcripts: non-coding transcript variant (5).
Genome position (GRCh38, 1-based): chr7:142,752,013, C>T. VCF-style: chr7-142752013-C-T. GRCh37 (hg19) VCF-style: chr7-142459864-C-T.
Other names: short protein forms T147I.
Identifiers: ClinVar variation 3310631 (VCV003310631.1).